The following is an entry in ClinVar:

NM_001160372.4(TRAPPC9):c.2811-21986T>C

Genes: C8orf17 (chromosome 8 putative open reading frame 17; plus strand), TRAPPC9 (trafficking protein particle complex subunit 9; minus strand). Cytogenetic location: 8q24.3.
Variant type: single nucleotide variant.
Coding change: c.2811-21986T>C on transcript NM_001160372.4 (MANE Select); 21986 bases into the intron before coding-DNA position 2811, T replaced by C.
Molecular consequence: intron variant. On other transcripts: non-coding transcript variant (1).
Genome position (GRCh38, 1-based): chr8:139,932,286, A>G on the plus strand (T>C on the coding strand, the complement: TRAPPC9 is on the minus strand). VCF-style: chr8-139932286-A-G. GRCh37 (hg19) VCF-style: chr8-140944530-A-G.
Other names: c.2811-21986T>C (NM_031466.8); c.2784-21986T>C (NM_001321646.2); c.2667-21986T>C (NM_001374684.1); c.2700-21986T>C (NM_001374683.1); c.2832-21986T>C (NM_001374682.1).
Identifiers: ClinVar variation 3025064 (VCV003025064.22), dbSNP rs550850669, ClinGen allele CA4892924.

ClinVar aggregate classification (germline): Likely benign (1 of 4 stars; one submission).

Allele frequency attached by ClinVar (database versions not stated): gnomAD exomes 0.00047; ExAC 0.00188; 1000 Genomes Project 30x 0.00203; 1000 Genomes Project 0.00220; gnomAD 0.00340; TOPMed 0.00410.
gnomAD v4.1: 659 of 457,518 alleles (0.14%); highest among the groups gnomAD compares: African/African-American, 1.1%; 3 homozygotes.

Submission:

CeGaT Center for Human Genetics Tuebingen
Classification: Likely benign. Last evaluated: 2026-08-01. Review status: criteria provided, single submitter. Criteria: CeGaT Center For Human Genetics Tuebingen Variant Classification Criteria Version 2. Collection method: clinical testing. Allele origin: germline. Affected: yes. Observed: 4 variant alleles.
Comment: C8orf17: BS1